The following is an entry in ClinVar:

ClinVar aggregate classification (germline): Conflicting classifications of pathogenicity. Review status: criteria provided, conflicting classifications (1 of 4 stars). 4 submissions from 4 submitters: Likely pathogenic (2); Uncertain significance (2). Last evaluated 2026-01-26.

Conditions:
Hypercholesterolemia, autosomal dominant, type B (FHCL2). Also called: APOB-Related Familial Hypercholesterolemia, Autosomal Dominant; HYPERCHOLESTEROLEMIA, FAMILIAL, DUE TO LIGAND-DEFECTIVE APOLIPOPROTEIN B; Familial Hypercholesterolemia Type B; APOLIPOPROTEIN B-100, FAMILIAL DEFECTIVE; APOLIPOPROTEIN B-100, FAMILIAL LIGAND-DEFECTIVE; Familial hypercholesterolemia 2. Identifiers: MedGen C1704417, MONDO:0007751, OMIM 144010.
Familial hypobetalipoproteinemia 1. Also called: Hypobetalipoproteinemia, normotriglyceridemic; Acanthocytosis with hypobetalipoproteinemia; APOB-Related Familial Hypobetalipoproteinemia. Identifiers: MedGen C4551990, MONDO:0014252, OMIM 615558.
Cardiovascular phenotype. Identifiers: MedGen CN230736.
Familial hypercholesterolemia. Also called: Familial hypercholesterolaemia; Familial hypercholesterolemias. Identifiers: MedGen C0020445, MONDO:0005439.

Allele frequency attached by ClinVar (database versions not stated): gnomAD exomes below 0.00001 and 0.00002; gnomAD 0.00001.
gnomAD v4.1: 27 of 1,613,874 alleles (0.0017%); highest among the groups gnomAD compares: Non-Finnish European, 0.0023%; no homozygotes.

Submissions (4):

Labcorp Genetics (formerly Invitae), Labcorp
Classification: Uncertain significance for Familial hypobetalipoproteinemia 1; Hypercholesterolemia, autosomal dominant, type B. Last evaluated: 2026-01-26. Review status: criteria provided, single submitter. Criteria: Invitae Variant Classification Sherloc (09022015). Collection method: clinical testing. Allele origin: germline.
Comment: This sequence change replaces glutamic acid, which is acidic and polar, with lysine, which is basic and polar, at codon 3493 of the APOB protein (p.Glu3493Lys). This variant is present in population databases (no rsID available, gnomAD 0.002%). This missense change has been observed in individual(s) with familial hypercholesterolemia (PMID: 22883975). ClinVar contains an entry for this variant (Variation ID: 1440071). Invitae Evidence Modeling of protein sequence and biophysical properties (such as structural, functional, and spatial information, amino acid conservation, physicochemical variation, residue mobility, and thermodynamic stability) has been performed for this missense variant. However, the output from this modeling did not meet the statistical confidence thresholds required to predict the impact of this variant on APOB protein function. In summary, the available evidence is currently insufficient to determine the role of this variant in disease. Therefore, it has been classified as a Variant of Uncertain Significance.

Genetics Laboratory, Great Ormond Street Hospital NHS Foundation Trust, North Thames Genomic Laboratory Hub
Classification: Likely pathogenic for Familial hypercholesterolaemia. Last evaluated: 2025-12-16. Review status: criteria provided, single submitter. Criteria: ACGS Best Practice Guidelines for Variant Classification in Rare Disease 2024 v1.2. Collection method: clinical testing. Allele origin: germline. Affected: yes.
Comment: PS4_strong, PM2_supporting, PM1_moderate

Ambry Genetics
Classification: Uncertain significance for Cardiovascular phenotype. Last evaluated: 2025-08-29. Review status: criteria provided, single submitter. Criteria: Ambry Variant Classification Scheme 2023. Collection method: clinical testing. Allele origin: germline.

Cambridge Genomics Laboratory, East Genomic Laboratory Hub, NHS Genomic Medicine Service
Classification: Likely pathogenic for Familial hypercholesterolaemia. Last evaluated: 2024-11-12. Review status: criteria provided, single submitter. Criteria: ACGS Best Practice Guidelines for Variant Classification in Rare Disease 2020. Collection method: clinical testing. Allele origin: germline. Affected: yes.
Comment: The p.Glu3493Lys variant is observed in 1/113.156 (0.0009%) alleles from individuals of gnomAD Non Finnish European background in gnomAD All. The p.Glu3493Lys variant is novel (not in any individuals) in 1kG All. (PM2 - Moderate) | (PM1 - Moderate)

Literature cited by the submitters: PubMed 22883975 (cited by Labcorp Genetics (formerly Invitae), Labcorp).

NM_000384.3(APOB):c.10477G>A (p.Glu3493Lys)

Gene: APOB (apolipoprotein B; minus strand). Cytogenetic location: 2p24.1.
Variant type: single nucleotide variant.
Coding change: c.10477G>A on transcript NM_000384.3 (MANE Select); coding-DNA position 10477, G replaced by A.
Protein change: p.Glu3493Lys; replaces glutamic acid 3493 with lysine.
Molecular consequence: missense variant.
Genome position (GRCh38, 1-based): chr2:21,006,391, C>T on the plus strand (G>A on the coding strand, the complement: APOB is on the minus strand). VCF-style: chr2-21006391-C-T. GRCh37 (hg19) VCF-style: chr2-21229263-C-T.
Other names: short protein forms E3493K.
Identifiers: ClinVar variation 1440071 (VCV001440071.11), dbSNP rs1251501652, ClinGen allele CA345986446.